The following is an entry in ClinVar:

NM_024685.4(BBS10):c.912G>A (p.Gln304=)

Gene: BBS10 (Bardet-Biedl syndrome 10; minus strand). Cytogenetic location: 12q21.2.
Variant type: single nucleotide variant.
Coding change: c.912G>A on transcript NM_024685.4 (MANE Select); coding-DNA position 912, G replaced by A.
Protein change: p.Gln304=; no amino-acid change (glutamine 304 retained).
Molecular consequence: synonymous variant.
Genome position (GRCh38, 1-based): chr12:76,347,073, C>T on the plus strand (G>A on the coding strand, the complement: BBS10 is on the minus strand). VCF-style: chr12-76347073-C-T. GRCh37 (hg19) VCF-style: chr12-76740853-C-T.
Other names: c.912G>A (NM_024685.3).
Identifiers: ClinVar variation 2914305 (VCV002914305.4), dbSNP rs2540956345, ClinGen allele CA481011671.

ClinVar aggregate classification (germline): Likely benign. Review status: criteria provided, single submitter (1 of 4 stars). 2 submissions from 2 submitters: Likely benign (1). 1 of the submissions does not count toward it. Last evaluated 2023-03-18.

Conditions:
Bardet-Biedl syndrome (BBS). Identifiers: Orphanet 110, MedGen C0752166, MONDO:0015229.
BBS10-related disorder. Also called: BBS10-related condition.

Submissions (2):

Labcorp Genetics (formerly Invitae), Labcorp
Classification: Likely benign for Bardet-Biedl syndrome. Last evaluated: 2023-03-18. Review status: criteria provided, single submitter. Criteria: Invitae Variant Classification Sherloc (09022015). Collection method: clinical testing. Allele origin: germline.

PreventionGenetics, part of Exact Sciences
Classification: Likely benign for BBS10-related condition. Last evaluated: 2024-02-21. Review status: no assertion criteria provided. Collection method: clinical testing. Allele origin: germline. Not counted in ClinVar's aggregate classification.
Comment: This variant is classified as likely benign based on ACMG/AMP sequence variant interpretation guidelines (Richards et al. 2015 PMID: 25741868, with internal and published modifications).